The following is an entry in ClinVar:

ClinVar aggregate classification (germline): Likely benign (1 of 4 stars; one submission).

Submission:

CeGaT Center for Human Genetics Tuebingen
Classification: Likely benign. Last evaluated: 2025-05-01. Review status: criteria provided, single submitter. Criteria: CeGaT Center For Human Genetics Tuebingen Variant Classification Criteria Version 2. Collection method: clinical testing. Allele origin: germline. Affected: yes. Observed: 1 variant allele.
Comment: PSMD13: PM2:Supporting, BP4, BP7

NM_002817.4(PSMD13):c.219T>G (p.Pro73=)

Gene: PSMD13 (proteasome 26S subunit, non-ATPase 13; plus strand). Cytogenetic location: 11p15.5.
Variant type: single nucleotide variant.
Coding change: c.219T>G on transcript NM_002817.4 (MANE Select); coding-DNA position 219, T replaced by G.
Protein change: p.Pro73=; no amino-acid change (proline 73 retained).
Molecular consequence: synonymous variant.
Genome position (GRCh38, 1-based): chr11:244,170, T>G. VCF-style: chr11-244170-T-G. GRCh37 (hg19) VCF-style: chr11-244170-T-G.
Other names: c.225T>G, p.Pro75= (NM_175932.3).
Identifiers: ClinVar variation 3905836 (VCV003905836.10).